The following is an entry in ClinVar:

NM_133171.5(ELMO2):c.1470C>A (p.Asn490Lys)

Gene: ELMO2 (engulfment and cell motility 2; minus strand). Cytogenetic location: 20q13.12.
Variant type: single nucleotide variant.
Coding change: c.1470C>A on transcript NM_133171.5 (MANE Select); coding-DNA position 1470, C replaced by A.
Protein change: p.Asn490Lys; replaces asparagine 490 with lysine.
Molecular consequence: missense variant.
Genome position (GRCh38, 1-based): chr20:46,371,916, G>T on the plus strand (C>A on the coding strand, the complement: ELMO2 is on the minus strand). VCF-style: chr20-46371916-G-T. GRCh37 (hg19) VCF-style: chr20-45000555-G-T.
Other names: c.1206C>A, p.Asn402Lys (NM_001318253.2); c.1470C>A, p.Asn490Lys (NM_182764.3); short protein forms N490K, N402K.
Identifiers: ClinVar variation 3088334 (VCV003088334.2), dbSNP rs574674005, ClinGen allele CA9890057.
Genomic context (GRCh38, chr20:46,371,916, plus strand): 5'-CAGTCGTAGAATCTCAGAGTAACTCAGGCTACGCAATTTGCTCTTGAACTGATCCAAAGA[G>T]TTGGGTTTGGAGGGCAAAGCTCGAGTGATTTGCTCTCGGACGACTTGCATAACCTAAGAG-3'
Protein context (NP_573403.1, residues 480-500): QITRALPSKP[Asn490Lys]SLDQFKSKLR

ClinVar aggregate classification (germline): Uncertain significance. Review status: criteria provided, multiple submitters, no conflicts (2 of 4 stars). 2 submissions from 2 submitters: Uncertain significance (2). Last evaluated 2025-09-05.

Conditions:
Inborn genetic diseases. Identifiers: MedGen C0950123, MeSH D030342.

gnomAD v4.1: 137 of 1,614,198 alleles (0.0085%); highest among the groups gnomAD compares: Middle Eastern, 0.13%; no homozygotes.

Submissions (2):

Women's Health and Genetics/Laboratory Corporation of America, LabCorp
Classification: Uncertain significance. Last evaluated: 2025-09-05. Review status: criteria provided, single submitter. Criteria: LabCorp Variant Classification Summary - May 2015. Collection method: clinical testing. Allele origin: germline.
Comment: Variant summary: ELMO2 c.1470C>A (p.Asn490Lys) results in a non-conservative amino acid change in the encoded protein sequence. Algorithms developed to predict the effect of missense changes on protein structure and function are either unavailable or do not agree on the potential impact of this missense change. The variant allele was found at a frequency of 6.8e-05 in 251466 control chromosomes. This frequency is not significantly higher than estimated for disease-causing variants in ELMO2, allowing no conclusion about variant significance. To our knowledge, no occurrence of c.1470C>A in individuals affected with ELMO2-related conditions and no experimental evidence demonstrating its impact on protein function have been reported. ClinVar contains an entry for this variant (Variation ID: 3088334). Based on the evidence outlined above, the variant was classified as uncertain significance.

Ambry Genetics
Classification: Uncertain significance for Inborn genetic diseases. Last evaluated: 2023-12-22. Review status: criteria provided, single submitter. Criteria: Ambry Variant Classification Scheme 2023. Collection method: clinical testing. Allele origin: germline.